The following is an entry in ClinVar:

ClinVar aggregate classification (germline): Uncertain significance (1 of 4 stars; one submission).

Conditions:
Early-infantile DEE. Also called: Ohtahara syndrome; Early infantile epileptic encephalopathy with suppression bursts; Early infantile epileptic encephalopathy. Identifiers: Orphanet 1934, MedGen C0393706, MONDO:0800491.

Allele frequency attached by ClinVar (database versions not stated): gnomAD 0.00001; gnomAD exomes 0.00001 and 0.00002; ExAC 0.00002.
gnomAD v4.1: 14 of 1,606,274 alleles (0.00087%); highest among the groups gnomAD compares: East Asian, 0.009%; no homozygotes.

Submission:

Labcorp Genetics (formerly Invitae), Labcorp
Classification: Uncertain significance for Early-infantile DEE. Last evaluated: 2025-08-17. Review status: criteria provided, single submitter. Criteria: Invitae Variant Classification Sherloc (09022015). Collection method: clinical testing. Allele origin: germline.
Comment: This sequence change falls in intron 11 of the ST3GAL3 gene. It does not directly change the encoded amino acid sequence of the ST3GAL3 protein. It affects a nucleotide within the consensus splice site. This variant is present in population databases (no rsID available, gnomAD 0.009%). This variant has not been reported in the literature in individuals affected with ST3GAL3-related conditions. ClinVar contains an entry for this variant (Variation ID: 1431835). Variants that disrupt the consensus splice site are a relatively common cause of aberrant splicing (PMID: 17576681, 9536098). Algorithms developed to predict the effect of sequence changes on RNA splicing suggest that this variant is not likely to affect RNA splicing. In summary, the available evidence is currently insufficient to determine the role of this variant in disease. Therefore, it has been classified as a Variant of Uncertain Significance.

Literature cited by the submitters: PubMed 17576681; PubMed 9536098.

NM_006279.5(ST3GAL3):c.1038+4C>T

Gene: ST3GAL3 (ST3 beta-galactoside alpha-2,3-sialyltransferase 3; plus strand). Cytogenetic location: 1p34.1.
Variant type: single nucleotide variant.
Coding change: c.1038+4C>T on transcript NM_006279.5 (MANE Select); 4 bases into the intron after coding-DNA position 1038, C replaced by T.
Molecular consequence: intron variant.
Genome position (GRCh38, 1-based): chr1:43,920,932, C>T. VCF-style: chr1-43920932-C-T. GRCh37 (hg19) VCF-style: chr1-44386604-C-T.
Other names: c.1245+4C>T (NM_174963.5); c.1083+4C>T (NM_001350619.2, NM_174964.4); c.443-9200C>T (NM_174965.4); c.*23-9200C>T (NM_001270465.3); c.555-9200C>T (NM_001270463.3); c.1200+4C>T (NM_174968.5); c.907-9200C>T (NM_001363573.2); c.759+4C>T (NM_001350621.2); and 12 more.
Identifiers: ClinVar variation 1431835 (VCV001431835.8), dbSNP rs925554530, ClinGen allele CA814865.